The following is an entry in ClinVar:

ClinVar aggregate classification (germline): Uncertain significance (1 of 4 stars; one submission).

gnomAD v4.1: 6 of 1,560,312 alleles (0.00038%); highest among the groups gnomAD compares: Non-Finnish European, 0.00052%; no homozygotes.

Submission:

CeGaT Center for Human Genetics Tuebingen
Classification: Uncertain significance. Last evaluated: 2026-07-01. Review status: criteria provided, single submitter. Criteria: CeGaT Center For Human Genetics Tuebingen Variant Classification Criteria Version 2. Collection method: clinical testing. Allele origin: germline. Affected: yes. Observed: 1 variant allele.
Comment: TBC1D24: PM2, BP4

NM_001199107.2(TBC1D24):c.1522G>A (p.Val508Ile)

Gene: TBC1D24 (TBC1 domain family member 24; plus strand). Cytogenetic location: 16p13.3.
Variant type: single nucleotide variant.
Coding change: c.1522G>A on transcript NM_001199107.2 (MANE Select); coding-DNA position 1522, G replaced by A.
Protein change: p.Val508Ile; replaces valine 508 with isoleucine.
Molecular consequence: missense variant.
Genome position (GRCh38, 1-based): chr16:2,500,487, G>A. VCF-style: chr16-2500487-G-A. GRCh37 (hg19) VCF-style: chr16-2550488-G-A.
Other names: c.1504G>A, p.Val502Ile (NM_020705.3); short protein forms V502I, V508I.
Identifiers: ClinVar variation 5039772 (VCV005039772.1).